The following is an entry in ClinVar:

NM_001377.3(DYNC2H1):c.12393G>A (p.Trp4131Ter)

Gene: DYNC2H1 (dynein cytoplasmic 2 heavy chain 1; plus strand). Cytogenetic location: 11q22.3.
Variant type: single nucleotide variant.
Coding change: c.12393G>A on transcript NM_001377.3 (MANE Select); coding-DNA position 12393, G replaced by A.
Protein change: p.Trp4131Ter; replaces tryptophan 4131 with a stop codon.
Molecular consequence: nonsense.
Genome position (GRCh38, 1-based): chr11:103,435,969, G>A. VCF-style: chr11-103435969-G-A. GRCh37 (hg19) VCF-style: chr11-103306697-G-A.
Other names: c.12414G>A, p.Trp4138Ter (NM_001080463.2); short protein forms W4138*, W4131*.
Identifiers: ClinVar variation 2771178 (VCV002771178.4), dbSNP rs1428945272, ClinGen allele CA382289003.

ClinVar aggregate classification (germline): Pathogenic. Review status: criteria provided, multiple submitters, no conflicts (2 of 4 stars). 2 submissions from 2 submitters: Pathogenic (2). Last evaluated 2024-12-22.

Conditions:
Asphyxiating thoracic dystrophy 3. Also called: SHORT-RIB THORACIC DYSPLASIA 3 WITH OR WITHOUT POLYDACTYLY; POLYDACTYLY WITH NEONATAL CHONDRODYSTROPHY, TYPE I; SHORT-RIB THORACIC DYSPLASIA 3/6 WITH POLYDACTYLY, DIGENIC; Short rib polydactyly syndrome 2B; Saldino-Noonan Syndrome. Identifiers: Orphanet 474, Orphanet 93269, Orphanet 93270, Orphanet 93271, MedGen C0036069, MONDO:0013127, OMIM 613091.
Jeune thoracic dystrophy. Also called: Jeune syndrome; Infantile thoracic dystrophy; Thoracic pelvic phalangeal dystrophy; Jeune's syndrome; Chondroectodermal dysplasia-like syndrome; Short-rib thoracic dysplasia. Identifiers: Orphanet 474, MedGen C0265275, MONDO:0018770.

Allele frequency attached by ClinVar (database versions not stated): gnomAD exomes below 0.00001; TOPMed below 0.00001; gnomAD 0.00001.
gnomAD v4.1: 3 of 1,612,498 alleles (0.00019%); highest among the groups gnomAD compares: Non-Finnish European, 0.00025%; no homozygotes.

Submissions (2):

Myriad Genetics, Inc.
Classification: Pathogenic for Asphyxiating thoracic dystrophy 3. Last evaluated: 2024-12-22. Review status: criteria provided, single submitter. Criteria: Myriad Autosomal Dominant, Autosomal Recessive and X-Linked Classification Criteria (2023). Collection method: clinical testing. Allele origin: unknown.
Comment: NM_001377.2(DYNC2H1):c.12393G>A(W4131*) is expected to be pathogenic in the context of DYNC2H1-related disorders. This variant is predicted to lead to an abnormal or absent protein product due to the creation of a premature termination codon in DYNC2H1, a gene where loss-of-function variants are known to be pathogenic. Please note: this variant was assessed in the context of healthy population screening.

Labcorp Genetics (formerly Invitae), Labcorp
Classification: Pathogenic for Jeune thoracic dystrophy. Last evaluated: 2023-06-05. Review status: criteria provided, single submitter. Criteria: Invitae Variant Classification Sherloc (09022015). Collection method: clinical testing. Allele origin: germline.
Comment: For these reasons, this variant has been classified as Pathogenic. This variant has not been reported in the literature in individuals affected with DYNC2H1-related conditions. This variant is not present in population databases (gnomAD no frequency). This sequence change creates a premature translational stop signal (p.Trp4138*) in the DYNC2H1 gene. It is expected to result in an absent or disrupted protein product. Loss-of-function variants in DYNC2H1 are known to be pathogenic (PMID: 23339108, 32753734).

Literature cited by the submitters: PubMed 23339108 (cited by Labcorp Genetics (formerly Invitae), Labcorp); PubMed 32753734 (cited by Labcorp Genetics (formerly Invitae), Labcorp).